The following is an entry in ClinVar:

ClinVar aggregate classification (germline): Pathogenic (1 of 4 stars; one submission).

Conditions:
Hereditary factor IX deficiency disease (HEMB). Also called: F9 DEFICIENCY; FACTOR IX DEFICIENCY; PLASMA THROMBOPLASTIN COMPONENT DEFICIENCY; Hemophilia B; Christmas Disease. Identifiers: Orphanet 98879, MedGen C0008533, MeSH D002836, MONDO:0010604, OMIM 306900.

Submission:

Natera, Inc.
Classification: Pathogenic for Hemophilia B. Last evaluated: 2025-09-27. Review status: criteria provided, single submitter. Criteria: Natera Variant Classification Schema (03/2026). Collection method: clinical testing. Allele origin: germline.
Comment: The c.1233T>A variant in F9 is a missense variant predicted to cause substitution of serine to arginine at amino acid 411. This variant is rare in the general population with a frequency below the threshold expected for the associated phenotype(s). This variant has been observed in affected individual(s) with monoallelic occurrence (heterozygous/hemizygous) (PMID: 2198809). This variant is located in a functionally critical region of the protein. Another variant at this same site results in an alteration predicted to cause a similar molecular effect has been observed in individual(s) with the associated phenotype. A different variant at the same position has been determined to be Pathogenic or Likely Pathogenic. Computational prediction algorithms indicate this variant is likely to affect gene or protein function. Given the available evidence, this variant is classified as Pathogenic.

Literature cited by the submitters: PubMed 2198809.

NM_000133.4(F9):c.1233T>A (p.Ser411Arg)

Gene: F9 (coagulation factor IX; plus strand). Cytogenetic location: Xq27.1.
Variant type: single nucleotide variant.
Coding change: c.1233T>A on transcript NM_000133.4 (MANE Select); coding-DNA position 1233, T replaced by A.
Protein change: p.Ser411Arg; replaces serine 411 with arginine.
Molecular consequence: missense variant.
Genome position (GRCh38, 1-based): chrX:139,561,918, T>A. VCF-style: chrX-139561918-T-A. GRCh37 (hg19) VCF-style: chrX-138644077-T-A.
Other names: c.1119T>A, p.Ser373Arg (NM_001313913.2); short protein forms S373R, S411R.
Identifiers: ClinVar variation 4817507 (VCV004817507.1).